The following is an entry in ClinVar:

NM_052989.3(IFT122):c.1150C>T (p.Arg384Trp)

Gene: IFT122 (intraflagellar transport 122; plus strand). Cytogenetic location: 3q21.3.
Variant type: single nucleotide variant.
Coding change: c.1150C>T on transcript NM_052989.3 (MANE Select); coding-DNA position 1150, C replaced by T.
Protein change: p.Arg384Trp; replaces arginine 384 with tryptophan.
Molecular consequence: missense variant.
Genome position (GRCh38, 1-based): chr3:129,478,018, C>T. VCF-style: chr3-129478018-C-T. GRCh37 (hg19) VCF-style: chr3-129196861-C-T.
Other names: c.1303C>T (NM_052985.2); c.1126C>T, p.Arg376Trp (NM_001280541.2); c.700C>T, p.Arg234Trp (NM_001280545.2); c.523C>T, p.Arg175Trp (NM_001280546.2); c.973C>T, p.Arg325Trp (NM_018262.4); c.1303C>T, p.Arg435Trp (NM_052985.4); c.817C>T, p.Arg273Trp (NM_052990.3); short protein forms R435W, R325W, R376W, R234W, R273W, R384W, R175W.
Identifiers: ClinVar variation 343238 (VCV000343238.9), dbSNP rs139079256, ClinGen allele CA2606098.

ClinVar aggregate classification (germline): Uncertain significance. Review status: criteria provided, multiple submitters, no conflicts (2 of 4 stars). 4 submissions from 4 submitters: Uncertain significance (4). Last evaluated 2025-08-21.

Conditions:
Cranioectodermal dysplasia 1 (CED1). Also called: LEVIN SYNDROME I. Identifiers: Orphanet 1515, MedGen C0432235, MONDO:0021093, OMIM 218330.
Inborn genetic diseases. Identifiers: MedGen C0950123, MeSH D030342.

Allele frequency attached by ClinVar (database versions not stated): gnomAD exomes 0.00002; ExAC 0.00005; TOPMed 0.00005; gnomAD 0.00006; ESP Exome Variant Server 0.00008; 1000 Genomes Project 30x 0.00016; 1000 Genomes Project 0.00020.
gnomAD v4.1: 32 of 1,613,552 alleles (0.002%); highest among the groups gnomAD compares: African/African-American, 0.0067%; no homozygotes.

Submissions (4):

Ambry Genetics
Classification: Uncertain significance for Inborn genetic diseases. Last evaluated: 2025-08-21. Review status: criteria provided, single submitter. Criteria: Ambry Variant Classification Scheme 2023. Collection method: clinical testing. Allele origin: germline.

GeneDx
Classification: Uncertain significance. Last evaluated: 2024-05-28. Review status: criteria provided, single submitter. Criteria: GeneDx Variant Classification Process June 2021. Collection method: clinical testing. Allele origin: germline. Affected: yes.
Comment: In silico analysis supports that this missense variant has a deleterious effect on protein structure/function; Has not been previously published as pathogenic or benign to our knowledge

Labcorp Genetics (formerly Invitae), Labcorp
Classification: Uncertain significance for Cranioectodermal dysplasia 1. Last evaluated: 2022-07-19. Review status: criteria provided, single submitter. Criteria: Invitae Variant Classification Sherloc (09022015). Collection method: clinical testing. Allele origin: germline.
Comment: This sequence change replaces arginine, which is basic and polar, with tryptophan, which is neutral and slightly polar, at codon 435 of the IFT122 protein (p.Arg435Trp). This variant is present in population databases (rs139079256, gnomAD 0.02%). This variant has not been reported in the literature in individuals affected with IFT122-related conditions. ClinVar contains an entry for this variant (Variation ID: 343238). Algorithms developed to predict the effect of missense changes on protein structure and function are either unavailable or do not agree on the potential impact of this missense change (SIFT: "Deleterious"; PolyPhen-2: "Probably Damaging"; Align-GVGD: "Class C0"). In summary, the available evidence is currently insufficient to determine the role of this variant in disease. Therefore, it has been classified as a Variant of Uncertain Significance.

Illumina Laboratory Services, Illumina
Classification: Uncertain significance for Cranioectodermal dysplasia 1. Last evaluated: 2018-01-13. Review status: criteria provided, single submitter. Criteria: ICSL Variant Classification Criteria 13 December 2019. Collection method: clinical testing. Allele origin: germline.